The following is an entry in ClinVar:

NM_002206.3(ITGA7):c.1240T>C (p.Tyr414His)

Gene: ITGA7 (integrin subunit alpha 7; minus strand). Cytogenetic location: 12q13.2.
Variant type: single nucleotide variant.
Coding change: c.1240T>C on transcript NM_002206.3 (MANE Select); coding-DNA position 1240, T replaced by C.
Protein change: p.Tyr414His; replaces tyrosine 414 with histidine.
Molecular consequence: missense variant. On other transcripts: 5 prime UTR variant (1).
Genome position (GRCh38, 1-based): chr12:55,697,979, A>G on the plus strand (T>C on the coding strand, the complement: ITGA7 is on the minus strand). VCF-style: chr12-55697979-A-G. GRCh37 (hg19) VCF-style: chr12-56091763-A-G.
Other names: c.913T>C, p.Tyr305His (NM_001367993.1); c.-53T>C (NM_001367994.1); c.1240T>C, p.Tyr414His (NM_001374465.1, NM_001414034.1); c.1372T>C, p.Tyr458His (NM_001410977.1); c.1057T>C, p.Tyr353His (NM_001414033.1); c.901T>C, p.Tyr301His (NM_001414035.1); c.1252T>C, p.Tyr418His (NM_001144996.2, NM_001414029.1); c.961T>C, p.Tyr321His (NM_001144997.2); and 4 more; short protein forms Y389H, Y301H, Y458H, Y305H, Y321H, Y385H, Y414H, Y418H.
Identifiers: ClinVar variation 1991758 (VCV001991758.2), dbSNP rs747859435, ClinGen allele CA6616020.

ClinVar aggregate classification (germline): Uncertain significance. Review status: criteria provided, multiple submitters, no conflicts (2 of 4 stars). 2 submissions from 2 submitters: Uncertain significance (2). Last evaluated 2025-11-19.

Conditions:
Congenital muscular dystrophy due to integrin alpha-7 deficiency. Also called: Congenital muscular dystrophy with integrin alpha-7 deficiency; Muscular dystrophy, congenital, due to ITGA7 deficiency; MYOPATHY, CONGENITAL, DUE TO INTEGRIN ALPHA-7 DEFICIENCY. Identifiers: Orphanet 34520, MedGen C2750786, MONDO:0013177, OMIM 613204.

Allele frequency attached by ClinVar (database versions not stated): ExAC 0.00001; gnomAD 0.00003; TOPMed 0.00003; gnomAD exomes 0.00004.
gnomAD v4.1: 63 of 1,614,062 alleles (0.0039%); highest among the groups gnomAD compares: Non-Finnish European, 0.0053%; no homozygotes.

Submissions (2):

Ambry Genetics
Classification: Uncertain significance. Last evaluated: 2025-11-19. Review status: criteria provided, single submitter. Criteria: Ambry Variant Classification Scheme 2023. Collection method: clinical testing. Allele origin: germline.

Labcorp Genetics (formerly Invitae), Labcorp
Classification: Uncertain significance for Congenital muscular dystrophy due to integrin alpha-7 deficiency. Last evaluated: 2022-08-11. Review status: criteria provided, single submitter. Criteria: Invitae Variant Classification Sherloc (09022015). Collection method: clinical testing. Allele origin: germline.
Comment: This sequence change replaces tyrosine, which is neutral and polar, with histidine, which is basic and polar, at codon 414 of the ITGA7 protein (p.Tyr414His). This variant is present in population databases (rs747859435, gnomAD 0.002%). This variant has not been reported in the literature in individuals affected with ITGA7-related conditions. Algorithms developed to predict the effect of missense changes on protein structure and function (SIFT, PolyPhen-2, Align-GVGD) all suggest that this variant is likely to be disruptive. In summary, the available evidence is currently insufficient to determine the role of this variant in disease. Therefore, it has been classified as a Variant of Uncertain Significance.